The following is an entry in ClinVar:

ClinVar aggregate classification (germline): Uncertain significance (1 of 4 stars; one submission).

Allele frequency attached by ClinVar (database versions not stated): gnomAD 0.00001; gnomAD exomes 0.00001; TOPMed 0.00002.
gnomAD v4.1: 9 of 1,324,608 alleles (0.00068%); highest among the groups gnomAD compares: Non-Finnish European, 0.00087%; no homozygotes.

Submission:

Labcorp Genetics (formerly Invitae), Labcorp
Classification: Uncertain significance. Last evaluated: 2024-02-01. Review status: criteria provided, single submitter. Criteria: Invitae Variant Classification Sherloc (09022015). Collection method: clinical testing. Allele origin: germline.
Comment: This sequence change replaces proline, which is neutral and non-polar, with serine, which is neutral and polar, at codon 1265 of the GRIN2D protein (p.Pro1265Ser). This variant is not present in population databases (gnomAD no frequency). This variant has not been reported in the literature in individuals affected with GRIN2D-related conditions. ClinVar contains an entry for this variant (Variation ID: 1349803). Advanced modeling of protein sequence and biophysical properties (such as structural, functional, and spatial information, amino acid conservation, physicochemical variation, residue mobility, and thermodynamic stability) performed at Invitae indicates that this missense variant is not expected to disrupt GRIN2D protein function with a negative predictive value of 95%. In summary, the available evidence is currently insufficient to determine the role of this variant in disease. Therefore, it has been classified as a Variant of Uncertain Significance.

NM_000836.4(GRIN2D):c.3793C>T (p.Pro1265Ser)

Gene: GRIN2D (glutamate ionotropic receptor NMDA type subunit 2D; plus strand). Cytogenetic location: 19q13.33.
Variant type: single nucleotide variant.
Coding change: c.3793C>T on transcript NM_000836.4 (MANE Select); coding-DNA position 3793, C replaced by T.
Protein change: p.Pro1265Ser; replaces proline 1265 with serine.
Molecular consequence: missense variant.
Genome position (GRCh38, 1-based): chr19:48,443,719, C>T. VCF-style: chr19-48443719-C-T. GRCh37 (hg19) VCF-style: chr19-48946976-C-T.
Other names: short protein forms P1265S.
Identifiers: ClinVar variation 1349803 (VCV001349803.6), dbSNP rs1408171261, ClinGen allele CA406678263.